The following is an entry in ClinVar:

ClinVar aggregate classification (germline): Likely benign (1 of 4 stars; one submission).

Allele frequency attached by ClinVar (database versions not stated): gnomAD exomes below 0.00001; gnomAD 0.00001.
gnomAD v4.1: 4 of 1,612,062 alleles (0.00025%); highest among the groups gnomAD compares: Non-Finnish European, 0.00034%; no homozygotes.

Submission:

CeGaT Center for Human Genetics Tuebingen
Classification: Likely benign. Last evaluated: 2022-08-01. Review status: criteria provided, single submitter. Criteria: CeGaT Center For Human Genetics Tuebingen Variant Classification Criteria Version 2. Collection method: clinical testing. Allele origin: germline. Affected: yes. Observed: 1 variant allele.
Comment: GIGYF2: BP4, BP7

NM_001103146.3(GIGYF2):c.2280A>G (p.Glu760=)

Gene: GIGYF2 (GRB10 interacting GYF protein 2; plus strand). Cytogenetic location: 2q37.1.
Variant type: single nucleotide variant.
Coding change: c.2280A>G on transcript NM_001103146.3 (MANE Select); coding-DNA position 2280, A replaced by G.
Protein change: p.Glu760=; no amino-acid change (glutamic acid 760 retained).
Molecular consequence: synonymous variant. On other transcripts: non-coding transcript variant (1).
Genome position (GRCh38, 1-based): chr2:232,816,942, A>G. VCF-style: chr2-232816942-A-G. GRCh37 (hg19) VCF-style: chr2-233681652-A-G.
Other names: c.2343A>G, p.Glu781= (NM_001103147.2); c.2262A>G, p.Glu754= (NM_001103148.2); c.2280A>G, p.Glu760= (NM_015575.4).
Identifiers: ClinVar variation 2652012 (VCV002652012.24), dbSNP rs1179493396, ClinGen allele CA431810851.